The following is an entry in ClinVar:

ClinVar aggregate classification (germline): Uncertain significance (1 of 4 stars; one submission).

Allele frequency attached by ClinVar (database versions not stated): gnomAD 0.00002; TOPMed 0.00002; ExAC 0.00003; gnomAD exomes 0.00003.
gnomAD v4.1: 47 of 1,612,516 alleles (0.0029%); highest among the groups gnomAD compares: Non-Finnish European, 0.0037%; no homozygotes.

Submission:

Labcorp Genetics (formerly Invitae), Labcorp
Classification: Uncertain significance. Last evaluated: 2025-09-30. Review status: criteria provided, single submitter. Criteria: Invitae Variant Classification Sherloc (09022015). Collection method: clinical testing. Allele origin: germline.
Comment: This sequence change replaces valine, which is neutral and non-polar, with methionine, which is neutral and non-polar, at codon 34 of the POLD2 protein (p.Val34Met). This variant is present in population databases (rs544499072, gnomAD 0.008%). This variant has not been reported in the literature in individuals affected with POLD2-related conditions. ClinVar contains an entry for this variant (Variation ID: 2187166). An algorithm developed to predict the effect of missense changes on protein structure and function outputs the following: PolyPhen-2: "Not Available". The methionine amino acid residue is found in multiple mammalian species, which suggests that this missense change does not adversely affect protein function. In summary, the available evidence is currently insufficient to determine the role of this variant in disease. Therefore, it has been classified as a Variant of Uncertain Significance.

NM_006230.4(POLD2):c.-6G>A

Gene: POLD2 (DNA polymerase delta 2, accessory subunit; minus strand). Cytogenetic location: 7p13.
Variant type: single nucleotide variant.
Coding change: c.-6G>A on transcript NM_006230.4 (MANE Select); 6 bases upstream of the start codon, G replaced by A.
Molecular consequence: 5 prime UTR variant.
Genome position (GRCh38, 1-based): chr7:44,122,059, C>T on the plus strand (G>A on the coding strand, the complement: POLD2 is on the minus strand). VCF-style: chr7-44122059-C-T. GRCh37 (hg19) VCF-style: chr7-44161658-C-T.
Other names: c.-6G>A (NM_001127218.3, NM_001256879.2).
Identifiers: ClinVar variation 2187166 (VCV002187166.4), dbSNP rs544499072, ClinGen allele CA4238997.